The following is an entry in ClinVar:

ClinVar aggregate classification (germline): Benign/Likely benign. Review status: criteria provided, multiple submitters, no conflicts (2 of 4 stars). 7 submissions from 7 submitters: Benign (3); Likely benign (4). Last evaluated 2026-02-01.

Conditions:
PGM1-congenital disorder of glycosylation. Also called: Congenital disorder of glycosylation type 1t; PHOSPHOGLUCOMUTASE 1 DEFICIENCY; PGM1 DEFICIENCY; GLYCOGEN STORAGE DISEASE XIV; GSD XIV; CDG It. Identifiers: Orphanet 319646, MedGen C2752015, MONDO:0013968, OMIM 614921.

Allele frequency attached by ClinVar (database versions not stated): gnomAD exomes 0.00097 and 0.00038; ExAC 0.00120; 1000 Genomes Project 0.00260; 1000 Genomes Project 30x 0.00281; gnomAD 0.00373; ESP Exome Variant Server 0.00377; TOPMed 0.00381.
gnomAD v4.1: 1,098 of 1,613,330 alleles (0.068%); highest among the groups gnomAD compares: African/African-American, 1.3%; 3 homozygotes.

Submissions (7):

Labcorp Genetics (formerly Invitae), Labcorp
Classification: Benign for PGM1-congenital disorder of glycosylation. Last evaluated: 2026-02-01. Review status: criteria provided, single submitter. Criteria: Invitae Variant Classification Sherloc (09022015). Collection method: clinical testing. Allele origin: germline.

CeGaT Center for Human Genetics Tuebingen
Classification: Likely benign. Last evaluated: 2025-03-01. Review status: criteria provided, single submitter. Criteria: CeGaT Center For Human Genetics Tuebingen Variant Classification Criteria Version 2. Collection method: clinical testing. Allele origin: germline. Affected: yes. Observed: 2 variant alleles.
Comment: PGM1: BP4, BP7, BS1

Blueprint Genetics
Classification: Likely benign. Last evaluated: 2024-10-18. Review status: criteria provided, single submitter. Criteria: ACMG Guidelines, 2015. Collection method: clinical testing. Allele origin: germline.

Mayo Clinic Laboratories, Mayo Clinic
Classification: Benign. Last evaluated: 2024-04-03. Review status: criteria provided, single submitter. Criteria: ACMG Guidelines, 2015. Collection method: clinical testing. Allele origin: germline. Observed: 4 variant alleles.
Comment: BA1, BP4, BP7

GeneDx
Classification: Likely benign. Last evaluated: 2020-12-07. Review status: criteria provided, single submitter. Criteria: GeneDx Variant Classification Process June 2021. Collection method: clinical testing. Allele origin: germline. Affected: yes.

Genetic Services Laboratory, University of Chicago
Classification: Benign. Last evaluated: 2019-05-08. Review status: criteria provided, single submitter. Criteria: ACMG Guidelines, 2015. Collection method: clinical testing. Allele origin: germline. Affected: no.

Breakthrough Genomics
Classification: Likely benign. Review status: criteria provided, single submitter. Criteria: ACMG Guidelines, 2015. Collection method: not provided. Allele origin: germline. Inheritance: Autosomal recessive inheritance. Affected: yes.

NM_002633.3(PGM1):c.573G>A (p.Ser191=)

Gene: PGM1 (phosphoglucomutase 1; plus strand). Cytogenetic location: 1p31.3.
Variant type: single nucleotide variant.
Coding change: c.573G>A on transcript NM_002633.3 (MANE Select); coding-DNA position 573, G replaced by A.
Protein change: p.Ser191=; no amino-acid change (serine 191 retained).
Molecular consequence: synonymous variant. On other transcripts: 5 prime UTR variant (1).
Genome position (GRCh38, 1-based): chr1:63,631,673, G>A. VCF-style: chr1-63631673-G-A. GRCh37 (hg19) VCF-style: chr1-64097344-G-A.
Other names: p.Ser191=; c.627G>A, p.Ser209= (NM_001172818.1); c.-19G>A (NM_001172819.2).
Identifiers: ClinVar variation 381432 (VCV000381432.34), dbSNP rs112502842, ClinGen allele CA889580.
Genomic context (GRCh38, chr1:63,631,673, plus strand): 5'-ATGTGTTTAATCCTTCCATCTTTTGATGTTGCTTGTTCTCACAGTGGAAATTGTGGATTC[G>A]GTAGAAGCTTATGCTACAATGCTGAGAAGCATCTTTGATTTCAGTGCACTGAAAGAACTA-3'
Protein context (NP_002624.2, residues 181-201): FKPFTVEIVD[Ser191=]VEAYATMLRS